The following is an entry in ClinVar:

NM_001330311.2(DVL1):c.396C>T (p.Asp132=)

Gene: DVL1 (dishevelled segment polarity protein 1; minus strand). Cytogenetic location: 1p36.33.
Variant type: single nucleotide variant.
Coding change: c.396C>T on transcript NM_001330311.2 (MANE Select); coding-DNA position 396, C replaced by T.
Protein change: p.Asp132=; no amino-acid change (aspartic acid 132 retained).
Molecular consequence: synonymous variant.
Genome position (GRCh38, 1-based): chr1:1,342,123, G>A on the plus strand (C>T on the coding strand, the complement: DVL1 is on the minus strand). VCF-style: chr1-1342123-G-A. GRCh37 (hg19) VCF-style: chr1-1277503-G-A.
Other names: c.396C>T, p.Asp132= (NM_004421.3).
Identifiers: ClinVar variation 3039029 (VCV003039029.2), dbSNP rs772290424, ClinGen allele CA415379913.

ClinVar aggregate classification (germline): Likely benign (0 of 4 stars; one submission).

Conditions:
DVL1-related disorder. Also called: DVL1-related condition.

gnomAD v4.1: 9 of 1,588,354 alleles (0.00057%); highest among the groups gnomAD compares: Admixed American, 0.014%; no homozygotes.

Submission:

PreventionGenetics, part of Exact Sciences
Classification: Likely benign for DVL1-related condition. Last evaluated: 2019-05-28. Review status: no assertion criteria provided. Collection method: clinical testing. Allele origin: germline.
Comment: This variant is classified as likely benign based on ACMG/AMP sequence variant interpretation guidelines (Richards et al. 2015 PMID: 25741868, with internal and published modifications).